The following is an entry in ClinVar:

ClinVar aggregate classification (germline): Likely pathogenic (1 of 4 stars; one submission).

Conditions:
WHIM syndrome 1 (WHIMS). Identifiers: Orphanet 51636, MedGen C5542296, MONDO:8000006, OMIM 193670.

Submission:

Research Department, X4 Pharmaceuticals (Austria) GmbH
Classification: Likely pathogenic for WHIM syndrome 1. Last evaluated: 2025-06-03. Review status: criteria provided, single submitter. Criteria: ACMG Guidelines, 2015. Collection method: curation, in vitro. Allele origin: germline, not applicable. Inheritance: Autosomal dominant inheritance. Affected: yes. Observed: 1 variant allele, 1 heterozygote. Functional consequence: gain_of_function_variant.
Comment: The p.Lys333* premature translational stop signal has been observed in an individual with clinical features of WHIM syndrome (PMID: 24139496). Experimental studies have shown that the variant affects CXCR4 function. This variant is located in a region of the CXCR4 protein where a significant number of CXCR4 nonsense and frameshift mutations have been reported in association with autosomal dominant WHIM syndrome (PMID: 31313072, 32784523, 35947323, 39040098). This variant is not present in population databases (gnomAD no frequency).

Literature cited by the submitters: PubMed 24139496.

NM_003467.3(CXCR4):c.997A>T (p.Lys333Ter)

Gene: CXCR4 (C-X-C motif chemokine receptor 4; minus strand). Cytogenetic location: 2q22.1.
Variant type: single nucleotide variant.
Coding change: c.997A>T on transcript NM_003467.3 (MANE Select); coding-DNA position 997, A replaced by T.
Protein change: p.Lys333Ter; replaces lysine 333 with a stop codon.
Molecular consequence: nonsense.
Genome position (GRCh38, 1-based): chr2:136,114,931, T>A on the plus strand (A>T on the coding strand, the complement: CXCR4 is on the minus strand). VCF-style: chr2-136114931-T-A. GRCh37 (hg19) VCF-style: chr2-136872501-T-A.
Other names: c.1009A>T, p.Lys337Ter (NM_001008540.2); c.1210A>T, p.Lys404Ter (NM_001348056.2); c.1096A>T, p.Lys366Ter (NM_001348059.2); c.952A>T, p.Lys318Ter (NM_001348060.2); short protein forms K318*, K333*, K337*, K366*, K404*.
Identifiers: ClinVar variation 3902813 (VCV003902813.2).